The following is an entry in ClinVar:

NM_000869.6(HTR3A):c.408C>T (p.Tyr136=)

Gene: HTR3A (5-hydroxytryptamine receptor 3A; plus strand). Cytogenetic location: 11q23.2.
Variant type: single nucleotide variant.
Coding change: c.408C>T on transcript NM_000869.6 (MANE Select); coding-DNA position 408, C replaced by T.
Protein change: p.Tyr136=; no amino-acid change (tyrosine 136 retained).
Molecular consequence: synonymous variant. On other transcripts: non-coding transcript variant (1).
Genome position (GRCh38, 1-based): chr11:113,983,153, C>T. VCF-style: chr11-113983153-C-T. GRCh37 (hg19) VCF-style: chr11-113853875-C-T.
Other names: c.408C>T, p.Tyr136= (NM_213621.4); c.363C>T, p.Tyr121= (NM_001161772.3).
Identifiers: ClinVar variation 2642383 (VCV002642383.24), dbSNP rs150595107, ClinGen allele CA6284559.

ClinVar aggregate classification (germline): Likely benign (1 of 4 stars; one submission).

Allele frequency attached by ClinVar (database versions not stated): ExAC 0.00023; ESP Exome Variant Server 0.00054; 1000 Genomes Project 0.00100; 1000 Genomes Project 30x 0.00109.
gnomAD v4.1: 342 of 1,614,218 alleles (0.021%); highest among the groups gnomAD compares: African/African-American, 0.22%; no homozygotes.

Submission:

CeGaT Center for Human Genetics Tuebingen
Classification: Likely benign. Last evaluated: 2022-10-01. Review status: criteria provided, single submitter. Criteria: CeGaT Center For Human Genetics Tuebingen Variant Classification Criteria Version 2. Collection method: clinical testing. Allele origin: germline. Affected: yes. Observed: 1 variant allele.
Comment: HTR3A: BP4, BP7